The following is an entry in ClinVar:

ClinVar aggregate classification (germline): no classifications from unflagged records (0 of 4 stars; one submission).

Conditions:
Dicarboxylic aminoaciduria (DCBXA). Also called: GLUTAMATE-ASPARTATE TRANSPORT DEFECT. Identifiers: Orphanet 2195, MedGen C1857253, MONDO:0009110, OMIM 222730.

Allele frequency attached by ClinVar (database versions not stated): gnomAD exomes below 0.00001; ExAC 0.00001.
gnomAD v4.1: 5 of 1,613,574 alleles (0.00031%); highest among the groups gnomAD compares: East Asian, 0.0022%; no homozygotes.

Submission:

OMIM
Classification: Pathogenic for DICARBOXYLIC AMINOACIDURIA. Last evaluated: 2011-01-01. Review status: flagged submission. Collection method: literature only. Allele origin: germline.
ClinVar note: Notes: Flagging candidate with reason of insufficient supporting evidence. This gene has been classified as having a limited gene-disease relationship by a ClinGen Expert Panel.
ClinVar note: Reason: P/LP classification for a variant in a gene with insufficient evidence for a gene-disease relationship

Literature cited by the submitters: PubMed 21123949.

NM_004170.6(SLC1A1):c.1333C>T (p.Arg445Trp)

Gene: SLC1A1 (solute carrier family 1 member 1; plus strand). Cytogenetic location: 9p24.2.
Variant type: single nucleotide variant.
Coding change: c.1333C>T on transcript NM_004170.6 (MANE Select); coding-DNA position 1333, C replaced by T.
Protein change: p.Arg445Trp; replaces arginine 445 with tryptophan.
Molecular consequence: missense variant.
Genome position (GRCh38, 1-based): chr9:4,585,316, C>T. VCF-style: chr9-4585316-C-T. GRCh37 (hg19) VCF-style: chr9-4585316-C-T.
Other names: short protein forms R445W.
Identifiers: ClinVar variation 155859 (VCV000155859.2), dbSNP rs587777696, ClinGen allele CA170708.